The following is an entry in ClinVar:

NM_003620.4(PPM1D):c.491T>A (p.Met164Lys)

Gene: PPM1D (protein phosphatase, Mg2+/Mn2+ dependent 1D; plus strand). Cytogenetic location: 17q23.2.
Variant type: single nucleotide variant.
Coding change: c.491T>A on transcript NM_003620.4 (MANE Select); coding-DNA position 491, T replaced by A.
Protein change: p.Met164Lys; replaces methionine 164 with lysine.
Molecular consequence: missense variant.
Genome position (GRCh38, 1-based): chr17:60,623,539, T>A. VCF-style: chr17-60623539-T-A. GRCh37 (hg19) VCF-style: chr17-58700900-T-A.
Other names: short protein forms M164K.
Identifiers: ClinVar variation 2141504 (VCV002141504.4), dbSNP rs2544440093, ClinGen allele CA400460913.

ClinVar aggregate classification (germline): Uncertain significance (1 of 4 stars; one submission).

Submission:

Labcorp Genetics (formerly Invitae), Labcorp
Classification: Uncertain significance. Last evaluated: 2021-12-31. Review status: criteria provided, single submitter. Criteria: Invitae Variant Classification Sherloc (09022015). Collection method: clinical testing. Allele origin: germline.
Comment: This sequence change replaces methionine, which is neutral and non-polar, with lysine, which is basic and polar, at codon 164 of the PPM1D protein (p.Met164Lys). This variant is not present in population databases (gnomAD no frequency). In summary, the available evidence is currently insufficient to determine the role of this variant in disease. Therefore, it has been classified as a Variant of Uncertain Significance. Algorithms developed to predict the effect of missense changes on protein structure and function (SIFT, PolyPhen-2, Align-GVGD) all suggest that this variant is likely to be tolerated. This variant has not been reported in the literature in individuals affected with PPM1D-related conditions.